The following is an entry in ClinVar:

ClinVar aggregate classification (germline): Pathogenic (1 of 4 stars; one submission).

Conditions:
Tumor predisposition syndrome 3 (TPDS3). Also called: Melanoma, cutaneous malignant, susceptibility to, 10; LONG TELOMERE SYNDROME, POT1-RELATED; POT1 Tumor Predisposition; Glioma susceptibility 9. Identifiers: Orphanet 618, MedGen C4014476, MONDO:0014368, OMIM 615848.

Submission:

Labcorp Genetics (formerly Invitae), Labcorp
Classification: Pathogenic for Tumor predisposition syndrome 3. Last evaluated: 2023-12-11. Review status: criteria provided, single submitter. Criteria: Invitae Variant Classification Sherloc (09022015). Collection method: clinical testing. Allele origin: germline.
Comment: This sequence change falls in intron 5 of the POT1 gene. It does not directly change the encoded amino acid sequence of the POT1 protein. RNA analysis indicates that this variant induces altered splicing and is likely to result in the loss of the initiator methionine. This variant is not present in population databases (gnomAD no frequency). This variant has not been reported in the literature in individuals affected with POT1-related conditions. Variants that disrupt the consensus splice site are a relatively common cause of aberrant splicing (PMID: 17576681, 9536098). Studies have shown that this variant results in skipping of exon 5, and is expected to result in the loss of the initiator methionine (Invitae). This variant disrupts a region of the POT1 protein in which other variant(s) (p.Arg117Cys) have been determined to be pathogenic (PMID: 26403419; Invitae). This suggests that this is a clinically significant region of the protein, and that variants that disrupt it are likely to be disease-causing. For these reasons, this variant has been classified as Pathogenic.

Literature cited by the submitters: PubMed 17576681; PubMed 9536098; PubMed 26403419.

NM_015450.3(POT1):c.9+4A>C

Gene: POT1 (protection of telomeres 1; minus strand). Cytogenetic location: 7q31.33.
Variant type: single nucleotide variant.
Coding change: c.9+4A>C on transcript NM_015450.3 (MANE Select); 4 bases into the intron after coding-DNA position 9, A replaced by C.
Molecular consequence: intron variant.
Genome position (GRCh38, 1-based): chr7:124,897,161, T>G on the plus strand (A>C on the coding strand, the complement: POT1 is on the minus strand). VCF-style: chr7-124897161-T-G. GRCh37 (hg19) VCF-style: chr7-124537215-T-G.
Other names: c.-254+4A>C (NM_001042594.2).
Identifiers: ClinVar variation 2792761 (VCV002792761.3), dbSNP rs2116643174, ClinGen allele CA2739280072.